The following is an entry in ClinVar:

NM_144631.6(ZNF513):c.205T>C (p.Ser69Pro)

Gene: ZNF513 (zinc finger protein 513; minus strand). Cytogenetic location: 2p23.3.
Variant type: single nucleotide variant.
Coding change: c.205T>C on transcript NM_144631.6 (MANE Select); coding-DNA position 205, T replaced by C.
Protein change: p.Ser69Pro; replaces serine 69 with proline.
Molecular consequence: missense variant.
Genome position (GRCh38, 1-based): chr2:27,380,099, A>G on the plus strand (T>C on the coding strand, the complement: ZNF513 is on the minus strand). VCF-style: chr2-27380099-A-G. GRCh37 (hg19) VCF-style: chr2-27602966-A-G.
Other names: c.19T>C, p.Ser7Pro (NM_001201459.2); short protein forms S7P, S69P.
Identifiers: ClinVar variation 3727828 (VCV003727828.2).

ClinVar aggregate classification (germline): Uncertain significance (1 of 4 stars; one submission).

Submission:

Labcorp Genetics (formerly Invitae), Labcorp
Classification: Uncertain significance. Last evaluated: 2024-12-23. Review status: criteria provided, single submitter. Criteria: Invitae Variant Classification Sherloc (09022015). Collection method: clinical testing. Allele origin: germline.
Comment: This sequence change replaces serine, which is neutral and polar, with proline, which is neutral and non-polar, at codon 69 of the ZNF513 protein (p.Ser69Pro). This variant is present in population databases (rs374917873, gnomAD 0.0009%). This variant has not been reported in the literature in individuals affected with ZNF513-related conditions. An algorithm developed to predict the effect of missense changes on protein structure and function (PolyPhen-2) suggests that this variant is likely to be tolerated. In summary, the available evidence is currently insufficient to determine the role of this variant in disease. Therefore, it has been classified as a Variant of Uncertain Significance.